The following is an entry in ClinVar:

NM_004484.4(GPC3):c.1582T>C (p.Tyr528His)

Gene: GPC3 (glypican 3; minus strand). Cytogenetic location: Xq26.2.
Variant type: single nucleotide variant.
Coding change: c.1582T>C on transcript NM_004484.4 (MANE Select); coding-DNA position 1582, T replaced by C.
Protein change: p.Tyr528His; replaces tyrosine 528 with histidine.
Molecular consequence: missense variant.
Genome position (GRCh38, 1-based): chrX:133,536,285, A>G on the plus strand (T>C on the coding strand, the complement: GPC3 is on the minus strand). VCF-style: chrX-133536285-A-G. GRCh37 (hg19) VCF-style: chrX-132670313-A-G.
Other names: c.1651T>C, p.Tyr551His (NM_001164617.2); c.1534T>C, p.Tyr512His (NM_001164618.2); c.1420T>C, p.Tyr474His (NM_001164619.2); short protein forms Y551H, Y528H, Y474H, Y512H.
Identifiers: ClinVar variation 949405 (VCV000949405.10), dbSNP rs779769588, ClinGen allele CA414703244.

ClinVar aggregate classification (germline): Uncertain significance (1 of 4 stars; one submission).

Conditions:
Wilms tumor 1 (WT1). Also called: Wilms tumor, somatic. Identifiers: Orphanet 654, MedGen CN033288, MONDO:0008679, OMIM 194070.

Allele frequency attached by ClinVar (database versions not stated): gnomAD exomes below 0.00001; TOPMed below 0.00001.
gnomAD v4.1: 1 of 1,199,659 alleles (0.000083%); highest among the groups gnomAD compares: Admixed American, 0.0022%; no homozygotes.

Submission:

Labcorp Genetics (formerly Invitae), Labcorp
Classification: Uncertain significance for Wilms tumor 1. Last evaluated: 2019-07-24. Review status: criteria provided, single submitter. Criteria: Invitae Variant Classification Sherloc (09022015). Collection method: clinical testing. Allele origin: germline.
Comment: In summary, the available evidence is currently insufficient to determine the role of this variant in disease. Therefore, it has been classified as a Variant of Uncertain Significance. Algorithms developed to predict the effect of missense changes on protein structure and function are either unavailable or do not agree on the potential impact of this missense change (SIFT: "Tolerated"; PolyPhen-2: "Probably Damaging"; Align-GVGD: "Class C0"). This variant has not been reported in the literature in individuals with GPC3-related conditions. This variant is not present in population databases (ExAC no frequency). This sequence change replaces tyrosine with histidine at codon 528 of the GPC3 protein (p.Tyr528His). The tyrosine residue is weakly conserved and there is a moderate physicochemical difference between tyrosine and histidine.